The following is an entry in ClinVar:

ClinVar aggregate classification (germline): Uncertain significance (1 of 4 stars; one submission).

gnomAD v4.1: 7 of 1,611,398 alleles (0.00043%); highest among the groups gnomAD compares: Admixed American, 0.0017%; no homozygotes.

Submission:

Labcorp Genetics (formerly Invitae), Labcorp
Classification: Uncertain significance. Last evaluated: 2025-10-05. Review status: criteria provided, single submitter. Criteria: Invitae Variant Classification Sherloc (09022015). Collection method: clinical testing. Allele origin: germline.
Comment: This sequence change replaces valine, which is neutral and non-polar, with methionine, which is neutral and non-polar, at codon 74 of the IL18BP protein (p.Val74Met). This variant is present in population databases (rs772189103, gnomAD 0.003%). This variant has not been reported in the literature in individuals affected with IL18BP-related conditions. An algorithm developed to predict the effect of missense changes on protein structure and function (PolyPhen-2) suggests that this variant is likely to be disruptive. In summary, the available evidence is currently insufficient to determine the role of this variant in disease. Therefore, it has been classified as a Variant of Uncertain Significance.

NM_001039660.2(IL18BP):c.220G>A (p.Val74Met)

Gene: IL18BP (interleukin 18 binding protein; plus strand). Cytogenetic location: 11q13.4.
Variant type: single nucleotide variant.
Coding change: c.220G>A on transcript NM_001039660.2 (MANE Select); coding-DNA position 220, G replaced by A.
Protein change: p.Val74Met; replaces valine 74 with methionine.
Molecular consequence: missense variant.
Genome position (GRCh38, 1-based): chr11:72,000,542, G>A. VCF-style: chr11-72000542-G-A. GRCh37 (hg19) VCF-style: chr11-71711588-G-A.
Other names: c.220G>A, p.Val74Met (NM_001039659.2, NM_001145055.1, NM_001145057.1 and 3 more transcripts); short protein forms V74M.
Identifiers: ClinVar variation 4804125 (VCV004804125.1).